The following is an entry in ClinVar:

ClinVar aggregate classification (germline): Uncertain significance (1 of 4 stars; one submission).

Allele frequency attached by ClinVar (database versions not stated): gnomAD 0.00001.

Submission:

Labcorp Genetics (formerly Invitae), Labcorp
Classification: Uncertain significance. Last evaluated: 2022-07-05. Review status: criteria provided, single submitter. Criteria: Invitae Variant Classification Sherloc (09022015). Collection method: clinical testing. Allele origin: germline.
Comment: This sequence change replaces tryptophan, which is neutral and slightly polar, with arginine, which is basic and polar, at codon 1085 of the IMPG2 protein (p.Trp1085Arg). In summary, the available evidence is currently insufficient to determine the role of this variant in disease. Therefore, it has been classified as a Variant of Uncertain Significance. Algorithms developed to predict the effect of missense changes on protein structure and function (SIFT, PolyPhen-2, Align-GVGD) all suggest that this variant is likely to be disruptive. ClinVar contains an entry for this variant (Variation ID: 1485979). This variant has not been reported in the literature in individuals affected with IMPG2-related conditions. This variant is present in population databases (rs200306665, gnomAD 0.007%).

NM_016247.4(IMPG2):c.3253T>C (p.Trp1085Arg)

Gene: IMPG2 (interphotoreceptor matrix proteoglycan 2; minus strand). Cytogenetic location: 3q12.3.
Variant type: single nucleotide variant.
Coding change: c.3253T>C on transcript NM_016247.4 (MANE Select); coding-DNA position 3253, T replaced by C.
Protein change: p.Trp1085Arg; replaces tryptophan 1085 with arginine.
Molecular consequence: missense variant.
Genome position (GRCh38, 1-based): chr3:101,231,126, A>G on the plus strand (T>C on the coding strand, the complement: IMPG2 is on the minus strand). VCF-style: chr3-101231126-A-G. GRCh37 (hg19) VCF-style: chr3-100949970-A-G.
Other names: short protein forms W1085R.
Identifiers: ClinVar variation 1485979 (VCV001485979.8), dbSNP rs200306665, ClinGen allele CA79711143.